The following is an entry in ClinVar:

NM_003705.5(SLC25A12):c.1207A>G (p.Lys403Glu)

Gene: SLC25A12 (solute carrier family 25 member 12; minus strand). Cytogenetic location: 2q31.1.
Variant type: single nucleotide variant.
Coding change: c.1207A>G on transcript NM_003705.5 (MANE Select); coding-DNA position 1207, A replaced by G.
Protein change: p.Lys403Glu; replaces lysine 403 with glutamic acid.
Molecular consequence: missense variant. On other transcripts: non-coding transcript variant (1).
Genome position (GRCh38, 1-based): chr2:171,810,241, T>C on the plus strand (A>G on the coding strand, the complement: SLC25A12 is on the minus strand). VCF-style: chr2-171810241-T-C. GRCh37 (hg19) VCF-style: chr2-172666751-T-C.
Other names: short protein forms K403E.
Identifiers: ClinVar variation 1379857 (VCV001379857.8), dbSNP rs2105859385, ClinGen allele CA349289967.

ClinVar aggregate classification (germline): Uncertain significance (1 of 4 stars; one submission).

Submission:

Labcorp Genetics (formerly Invitae), Labcorp
Classification: Uncertain significance. Last evaluated: 2024-05-15. Review status: criteria provided, single submitter. Criteria: Invitae Variant Classification Sherloc (09022015). Collection method: clinical testing. Allele origin: germline.
Comment: This sequence change replaces lysine, which is basic and polar, with glutamic acid, which is acidic and polar, at codon 403 of the SLC25A12 protein (p.Lys403Glu). This variant is not present in population databases (gnomAD no frequency). This variant has not been reported in the literature in individuals affected with SLC25A12-related conditions. ClinVar contains an entry for this variant (Variation ID: 1379857). Advanced modeling of protein sequence and biophysical properties (such as structural, functional, and spatial information, amino acid conservation, physicochemical variation, residue mobility, and thermodynamic stability) performed at Invitae indicates that this missense variant is expected to disrupt SLC25A12 protein function with a positive predictive value of 80%. In summary, the available evidence is currently insufficient to determine the role of this variant in disease. Therefore, it has been classified as a Variant of Uncertain Significance.